The following is an entry in ClinVar:

NM_000059.4(BRCA2):c.6698C>A (p.Ala2233Asp)

Gene: BRCA2 (BRCA2 DNA repair associated; plus strand). Cytogenetic location: 13q13.1.
Variant type: single nucleotide variant.
Coding change: c.6698C>A on transcript NM_000059.4 (MANE Select); coding-DNA position 6698, C replaced by A.
Protein change: p.Ala2233Asp; replaces alanine 2233 with aspartic acid.
Molecular consequence: missense variant.
Genome position (GRCh38, 1-based): chr13:32,341,053, C>A. VCF-style: chr13-32341053-C-A. GRCh37 (hg19) VCF-style: chr13-32915190-C-A.
Other names: p.A2233D:GCT>GAT; short protein forms A2233D.
Identifiers: ClinVar variation 52159 (VCV000052159.30), dbSNP rs41293501, ClinGen allele CA024306.

ClinVar aggregate classification (germline): Conflicting classifications of pathogenicity. Review status: criteria provided, conflicting classifications (1 of 4 stars). 11 submissions from 11 submitters: Uncertain significance (5); Likely benign (4). 2 of the submissions do not count toward it. Last evaluated 2025-12-28.

Conditions:
Hereditary cancer-predisposing syndrome. Also called: Tumor predisposition; Neoplastic Syndromes, Hereditary; Hereditary neoplastic syndrome; Hereditary Cancer Syndrome. Identifiers: Orphanet 140162, MedGen C0027672, MeSH D009386, MONDO:0015356.
Hereditary breast ovarian cancer syndrome. Also called: Hereditary breast and ovarian cancer; BRCA1- and BRCA2-Associated Hereditary Breast and Ovarian Cancer; Hereditary breast and/or ovarian cancer syndrome; Hereditary breast and ovarian cancer syndrome; Breast and ovarian cancer; Hereditary breast and ovarian cancer syndrome (HBOC). Identifiers: Orphanet 145, MedGen C0677776, MeSH D061325, MONDO:0003582. Disease mechanism: loss of function.
Breast-ovarian cancer, familial, susceptibility to, 2 (BROVCA2). Also called: BRCA2 Hereditary Breast and Ovarian Cancer. Identifiers: Orphanet 145, MedGen C2675520, MONDO:0012933, OMIM 612555. Disease mechanism: loss of function.

Allele frequency attached by ClinVar (database versions not stated): ExAC 0.00001; gnomAD exomes 0.00001 and 0.00002; TOPMed 0.00001.
gnomAD v4.1: 31 of 1,613,926 alleles (0.0019%); highest among the groups gnomAD compares: Non-Finnish European, 0.0022%; 1 homozygote.

Submissions (11):

Labcorp Genetics (formerly Invitae), Labcorp
Classification: Likely benign for Hereditary breast ovarian cancer syndrome. Last evaluated: 2025-12-28. Review status: criteria provided, single submitter. Criteria: Invitae Variant Classification Sherloc (09022015). Collection method: clinical testing. Allele origin: germline.

Blueprint Genetics
Classification: Likely benign. Last evaluated: 2024-11-04. Review status: criteria provided, single submitter. Criteria: ACMG Guidelines, 2015. Collection method: clinical testing. Allele origin: germline.

Women's Health and Genetics/Laboratory Corporation of America, LabCorp
Classification: Uncertain significance. Last evaluated: 2024-08-16. Review status: criteria provided, single submitter. Criteria: LabCorp Variant Classification Summary - May 2015. Collection method: clinical testing. Allele origin: germline.
Comment: Variant summary: BRCA2 c.6698C>A (p.Ala2233Asp) results in a non-conservative amino acid change in the encoded protein sequence. Five of five in-silico tools predict a damaging effect of the variant on protein function. The variant allele was found at a frequency of 1.9e-05 in 1613926 control chromosomes in the gnomAD database, including 1 homozygote. This frequency is not significantly higher than estimated for a pathogenic variant in BRCA2 causing Hereditary Breast And Ovarian Cancer Syndrome (1.9e-05 vs 0.00075), allowing no conclusion about variant significance. c.6698C>A has been reported in the literature in multiple individuals with a personal and/or family history of cancer (e.g., Couch_2015, de Juan Jimenez_2011, Wong-Brown_2015, Hansford_2015, Bhai_2021). However, these reports do not provide unequivocal conclusions about association of the variant with Hereditary Breast And Ovarian Cancer Syndrome. To our knowledge, no experimental evidence demonstrating an impact on protein function has been reported. The following publications have been ascertained in the context of this evaluation (PMID: 25452441, 26182300, 25682074, 21147080, 34326862). ClinVar contains an entry for this variant (Variation ID: 52159). Based on the evidence outlined above, the variant was classified as uncertain significance.

Color Diagnostics, LLC DBA Color Health
Classification: Uncertain significance for Hereditary cancer-predisposing syndrome. Last evaluated: 2024-06-04. Review status: criteria provided, single submitter. Criteria: ACMG Guidelines, 2015. Collection method: clinical testing. Allele origin: germline.
Comment: This missense variant replaces alanine with aspartic acid at codon 2233 of the BRCA2 protein. Computational prediction is inconclusive regarding the impact of this variant on protein structure and function. To our knowledge, functional studies have not been reported for this variant. This variant has been reported in at least 4 individuals affected with breast or ovarian cancer (PMID: 25452441, 25682074, 33471991; Leiden Open Variation Database DB-ID BRCA2_003746, 34326862) and an individual affected with gastric cancer (PMID: 26182300). A multifactorial analysis also has reported co-occurrence and family history likelihood ratios for pathogenicity of 1.1293 and 0.1569, respectively (PMID: 31131967). This variant has been identified in 2/251286 chromosomes in the general population by the Genome Aggregation Database (gnomAD). The available evidence is insufficient to determine the role of this variant in disease conclusively. Therefore, this variant is classified as a Variant of Uncertain Significance.

All of Us Research Program, National Institutes of Health
Classification: Uncertain significance for Breast-ovarian cancer, familial, susceptibility to, 2. Last evaluated: 2023-10-02. Review status: criteria provided, single submitter. Criteria: ACMG Guidelines, 2015. Collection method: clinical testing. Allele origin: germline. Inheritance: Autosomal dominant inheritance. Observed: 5 variant alleles, 5 heterozygotes.
Comment: This missense variant replaces alanine with aspartic acid at codon 2233 of the BRCA2 protein. Computational prediction is inconclusive regarding the impact of this variant on protein structure and function (internally defined REVEL score threshold 0.5 < inconclusive < 0.7, PMID: 27666373). To our knowledge, functional studies have not been reported for this variant. This variant has been reported in at least 4 individuals affected with breast or ovarian cancer (PMID: 25452441, 25682074, 33471991; Leiden Open Variation Database DB-ID BRCA2_003746) and an individual affected with gastric cancer (PMID: 26182300). A multifactorial analysis also has reported co-occurrence and family history likelihood ratios for pathogenicity of 1.1293 and 0.1569, respectively (PMID: 31131967). This variant has been identified in 2/251286 chromosomes in the general population by the Genome Aggregation Database (gnomAD). The available evidence is insufficient to determine the role of this variant in disease conclusively. Therefore, this variant is classified as a Variant of Uncertain Significance.

This study involves interpretation of variants in research participants for the purpose of population health screening. Participant phenotype was not available at the time of variant classification. Additional details can be found in publication PMID: 35346344, PMCID: PMC8962531

University of Washington Department of Laboratory Medicine, University of Washington
Classification: Likely benign for Hereditary cancer-predisposing syndrome. Last evaluated: 2023-03-23. Review status: criteria provided, single submitter. Criteria: Dines et al. (Genet Med. 2020). Collection method: curation. Allele origin: germline.
Comment: Missense variant in a coldspot region where missense variants are very unlikely to be pathogenic (PMID:31911673).

BRCA2 exon 11 coldspot. Reclassification based on statistical prior probability.

Ambry Genetics
Classification: Likely benign for Hereditary cancer-predisposing syndrome. Last evaluated: 2021-12-10. Review status: criteria provided, single submitter. Criteria: Ambry Variant Classification Scheme 2023. Collection method: clinical testing. Allele origin: germline.

GeneDx
Classification: Uncertain significance. Last evaluated: 2018-02-26. Review status: criteria provided, single submitter. Criteria: GeneDx Variant Classification (06012015). Collection method: clinical testing. Allele origin: germline. Affected: yes.
Comment: This variant is denoted BRCA2 c.6698C>A at the cDNA level, p.Ala2233Asp (A2233D) at the protein level, and results in the change of an Alanine to an Aspartic Acid (GCT>GAT). Using alternate nomenclature, this variant would be defined as BRCA2 6926C>A. This variant was observed in at least two individuals with triple negative breast cancer and at least one other from a hereditary diffuse gastric cancer family (Couch 2015, Wong-Brown 2015, Hansford 2015). BRCA2 Ala2233Asp was not observed at a significant allele frequency in large population cohorts (Lek 2016). This variant is not located in a known functional domain. In silico analysis, which includes protein predictors and evolutionary conservation, supports that this variant does not alter protein structure/function. Based on currently available evidence, it is unclear whether BRCA2 Ala2233Asp is pathogenic or benign. We consider it to be a variant of uncertain significance.

Institute for Biomarker Research, Medical Diagnostic Laboratories, L.L.C.
Classification: Uncertain significance for Hereditary cancer-predisposing syndrome. Last evaluated: 2018-01-16. Review status: criteria provided, single submitter. Criteria: ACMG Guidelines, 2015. Collection method: clinical testing. Allele origin: germline.

Counsyl
Classification: Uncertain significance for Breast-ovarian cancer, familial, susceptibility to, 2. Last evaluated: 2016-12-14. Review status: no assertion criteria provided. Collection method: clinical testing. Allele origin: unknown. Not counted in ClinVar's aggregate classification.

Breast Cancer Information Core (BIC) (BRCA2)
Classification: Uncertain significance for Breast-ovarian cancer, familial 2. Last evaluated: 2002-06-20. Review status: no assertion criteria provided. Collection method: clinical testing. Allele origin: germline. Affected: yes. Observed: 4 variant alleles. Not counted in ClinVar's aggregate classification.

Literature cited by the submitters: PubMed 21147080 (cited by Women's Health and Genetics/Laboratory Corporation of America, LabCorp and Counsyl); PubMed 25682074 (cited by 5 submitters); PubMed 25452441 (cited by 5 submitters); PubMed 26182300 (cited by 5 submitters); PubMed 34326862 (cited by Women's Health and Genetics/Laboratory Corporation of America, LabCorp and Color Diagnostics, LLC DBA Color Health); PubMed 31131967 (cited by 3 submitters); PubMed 33471991 (cited by 3 submitters); PubMed 18724707 (cited by Ambry Genetics and Counsyl); PubMed 29641532 (cited by Ambry Genetics).